The following is an entry in ClinVar:

NM_002439.5(MSH3):c.1629G>C (p.Arg543Ser)

Gene: MSH3 (mutS homolog 3; plus strand). Cytogenetic location: 5q14.1.
Variant type: single nucleotide variant.
Coding change: c.1629G>C on transcript NM_002439.5 (MANE Select); coding-DNA position 1629, G replaced by C.
Protein change: p.Arg543Ser; replaces arginine 543 with serine.
Molecular consequence: missense variant.
Genome position (GRCh38, 1-based): chr5:80,741,524, G>C. VCF-style: chr5-80741524-G-C. GRCh37 (hg19) VCF-style: chr5-80037343-G-C.
Other names: short protein forms R543S.
Identifiers: ClinVar variation 647744 (VCV000647744.19), dbSNP rs780712445, ClinGen allele CA3327985.

ClinVar aggregate classification (germline): Uncertain significance. Review status: criteria provided, multiple submitters, no conflicts (2 of 4 stars). 6 submissions from 6 submitters: Uncertain significance (6). Last evaluated 2026-01-27.

Conditions:
Endometrial carcinoma. Also called: Endometrial carcinoma, somatic. Identifiers: MedGen C0476089, MONDO:0002447, OMIM 608089, HP:0012114.
Hereditary cancer-predisposing syndrome. Also called: Neoplastic Syndromes, Hereditary; Tumor predisposition; Hereditary neoplastic syndrome; Hereditary Cancer Syndrome. Identifiers: Orphanet 140162, MedGen C0027672, MeSH D009386, MONDO:0015356.
MSH3-related disorder. Also called: MSH3-related condition.

Allele frequency attached by ClinVar (database versions not stated): gnomAD exomes 0.00001; ExAC 0.00002.
gnomAD v4.1: 7 of 1,609,746 alleles (0.00043%); highest among the groups gnomAD compares: Admixed American, 0.0033%; no homozygotes.

Submissions (6):

Labcorp Genetics (formerly Invitae), Labcorp
Classification: Uncertain significance. Last evaluated: 2026-01-27. Review status: criteria provided, single submitter. Criteria: Invitae Variant Classification Sherloc (09022015). Collection method: clinical testing. Allele origin: germline.
Comment: This sequence change replaces arginine, which is basic and polar, with serine, which is neutral and polar, at codon 543 of the MSH3 protein (p.Arg543Ser). This variant is present in population databases (rs780712445, gnomAD 0.003%). This variant has not been reported in the literature in individuals affected with MSH3-related conditions. ClinVar contains an entry for this variant (Variation ID: 647744). An algorithm developed to predict the effect of missense changes on protein structure and function (PolyPhen-2) suggests that this variant is likely to be tolerated. In summary, the available evidence is currently insufficient to determine the role of this variant in disease. Therefore, it has been classified as a Variant of Uncertain Significance.

PreventionGenetics, part of Exact Sciences
Classification: Uncertain significance for MSH3-related condition. Last evaluated: 2025-08-20. Review status: criteria provided, single submitter. Criteria: ACMG Guidelines, 2015. Collection method: clinical testing. Allele origin: germline.
Comment: The MSH3 c.1629G>C variant is predicted to result in the amino acid substitution p.Arg543Ser. To our knowledge, this variant has not been reported in the literature. This variant is reported in 0.0029% of alleles in individuals of Latino descent in gnomAD. This variant is interpreted as variant of uncertain significance in ClinVar (Variation ID: 647744). At this time, the clinical significance of this variant is uncertain due to the absence of conclusive functional and genetic evidence.

Quest Diagnostics Nichols Institute San Juan Capistrano
Classification: Uncertain significance. Last evaluated: 2025-05-20. Review status: criteria provided, single submitter. Criteria: Quest Diagnostics criteria. Collection method: clinical testing. Allele origin: unknown.
Comment: The MSH3 c.1629G>C (p.Arg543Ser) variant has not been reported in the germline state in individuals with MSH3-related conditions the published literature. The frequency of this variant in the general population (Genome Aggregation Database) is uninformative in the assessment of its pathogenicity. Analysis of this variant using bioinformatics tools for the prediction of the effect of amino acid changes on protein structure and function yielded conflicting predictions that this variant is benign or damaging. Based on the available information, we are unable to determine the clinical significance of this variant.

Ambry Genetics
Classification: Uncertain significance for Hereditary cancer-predisposing syndrome. Last evaluated: 2025-03-18. Review status: criteria provided, single submitter. Criteria: Ambry Variant Classification Scheme 2023. Collection method: clinical testing. Allele origin: germline.
Comment: The p.R543S variant (also known as c.1629G>C), located in coding exon 11 of the MSH3 gene, results from a G to C substitution at nucleotide position 1629. The arginine at codon 543 is replaced by serine, an amino acid with dissimilar properties. This amino acid position is not well conserved in available vertebrate species. In addition, the in silico prediction for this alteration is inconclusive. Based on the available evidence, the clinical significance of this variant remains unclear.

Baylor Genetics
Classification: Uncertain significance for Endometrial carcinoma. Last evaluated: 2024-03-27. Review status: criteria provided, single submitter. Criteria: ACMG Guidelines, 2015. Collection method: clinical testing. Allele origin: unknown.

GeneDx
Classification: Uncertain significance. Last evaluated: 2022-10-13. Review status: criteria provided, single submitter. Criteria: GeneDx Variant Classification Process June 2021. Collection method: clinical testing. Allele origin: germline. Affected: yes.
Comment: Not observed at significant frequency in large population cohorts (gnomAD); In silico analysis supports that this missense variant does not alter protein structure/function; Has not been previously published as pathogenic or benign to our knowledge; This variant is associated with the following publications: (PMID: 31160353)

Literature cited by the submitters: PubMed 31160353 (cited by Quest Diagnostics Nichols Institute San Juan Capistrano and Ambry Genetics).